The following is an entry in ClinVar:

NM_000143.4(FH):c.38C>G (p.Pro13Arg)

Gene: FH (fumarate hydratase; minus strand). Cytogenetic location: 1q43.
Variant type: single nucleotide variant.
Coding change: c.38C>G on transcript NM_000143.4 (MANE Select); coding-DNA position 38, C replaced by G.
Protein change: p.Pro13Arg; replaces proline 13 with arginine.
Molecular consequence: missense variant.
Genome position (GRCh38, 1-based): chr1:241,519,685, G>C on the plus strand (C>G on the coding strand, the complement: FH is on the minus strand). VCF-style: chr1-241519685-G-C. GRCh37 (hg19) VCF-style: chr1-241682985-G-C.
Other names: short protein forms P13R.
Identifiers: ClinVar variation 3695013 (VCV003695013.3).

ClinVar aggregate classification (germline): Conflicting classifications of pathogenicity. Review status: criteria provided, conflicting classifications (1 of 4 stars). 2 submissions from 2 submitters: Uncertain significance (1); Likely benign (1). Last evaluated 2025-05-16.

Conditions:
Hereditary cancer-predisposing syndrome. Also called: Tumor predisposition; Neoplastic Syndromes, Hereditary; Hereditary Cancer Syndrome; Hereditary neoplastic syndrome. Identifiers: Orphanet 140162, MedGen C0027672, MeSH D009386, MONDO:0015356.

gnomAD v4.1: 1 of 1,547,138 alleles (0.000065%); highest among the groups gnomAD compares: East Asian, 0.0024%; no homozygotes.

Submissions (2):

Ambry Genetics
Classification: Likely benign for Hereditary cancer-predisposing syndrome. Last evaluated: 2025-05-16. Review status: criteria provided, single submitter. Criteria: Ambry Variant Classification Scheme 2023. Collection method: clinical testing. Allele origin: germline.

Labcorp Genetics (formerly Invitae), Labcorp
Classification: Uncertain significance. Last evaluated: 2024-08-31. Review status: criteria provided, single submitter. Criteria: Invitae Variant Classification Sherloc (09022015). Collection method: clinical testing. Allele origin: germline.
Comment: This sequence change replaces proline, which is neutral and non-polar, with arginine, which is basic and polar, at codon 13 of the FH protein (p.Pro13Arg). This variant is not present in population databases (gnomAD no frequency). This variant has not been reported in the literature in individuals affected with FH-related conditions. Invitae Evidence Modeling of protein sequence and biophysical properties (such as structural, functional, and spatial information, amino acid conservation, physicochemical variation, residue mobility, and thermodynamic stability) indicates that this missense variant is not expected to disrupt FH protein function with a negative predictive value of 95%. In summary, the available evidence is currently insufficient to determine the role of this variant in disease. Therefore, it has been classified as a Variant of Uncertain Significance.